The following is an entry in ClinVar:

NM_002875.5(RAD51):c.229G>A (p.Glu77Lys)

Gene: RAD51 (RAD51 recombinase; plus strand). Cytogenetic location: 15q15.1.
Variant type: single nucleotide variant.
Coding change: c.229G>A on transcript NM_002875.5 (MANE Select); coding-DNA position 229, G replaced by A.
Protein change: p.Glu77Lys; replaces glutamic acid 77 with lysine.
Molecular consequence: missense variant. On other transcripts: intron variant (2).
Genome position (GRCh38, 1-based): chr15:40,706,180, G>A. VCF-style: chr15-40706180-G-A. GRCh37 (hg19) VCF-style: chr15-40998378-G-A.
Other names: c.229G>A, p.Glu77Lys (NM_001164270.2); c.347-2845G>A (NM_133487.4, NM_001164269.2); short protein forms E77K.
Identifiers: ClinVar variation 3900795 (VCV003900795.2).

ClinVar aggregate classification (germline): Uncertain significance. Review status: criteria provided, multiple submitters, no conflicts (2 of 4 stars). 2 submissions from 2 submitters: Uncertain significance (2). Last evaluated 2025-12-04.

Conditions:
Inborn genetic diseases. Identifiers: MedGen C0950123, MeSH D030342.

Submissions (2):

Ambry Genetics
Classification: Uncertain significance for Inborn genetic diseases. Last evaluated: 2025-12-04. Review status: criteria provided, single submitter. Criteria: Ambry Variant Classification Scheme 2023. Collection method: clinical testing. Allele origin: germline.

GeneDx
Classification: Uncertain significance. Last evaluated: 2024-11-26. Review status: criteria provided, single submitter. Criteria: GeneDx Variant Classification Process June 2021. Collection method: clinical testing. Allele origin: germline. Affected: yes.
Comment: Not observed at significant frequency in large population cohorts (gnomAD); In silico analysis supports that this missense variant has a deleterious effect on protein structure/function; Has not been previously published as pathogenic or benign to our knowledge